The following is an entry in ClinVar:

NM_000414.4(HSD17B4):c.1552C>T (p.Pro518Ser)

Gene: HSD17B4 (hydroxysteroid 17-beta dehydrogenase 4; plus strand). Cytogenetic location: 5q23.1.
Variant type: single nucleotide variant.
Coding change: c.1552C>T on transcript NM_000414.4 (MANE Select); coding-DNA position 1552, C replaced by T.
Protein change: p.Pro518Ser; replaces proline 518 with serine.
Molecular consequence: missense variant. On other transcripts: non-coding transcript variant (2).
Genome position (GRCh38, 1-based): chr5:119,525,264, C>T. VCF-style: chr5-119525264-C-T. GRCh37 (hg19) VCF-style: chr5-118860959-C-T.
Other names: c.1627C>T, p.Pro543Ser (NM_001199291.3); c.1498C>T, p.Pro500Ser (NM_001199292.2); c.1480C>T, p.Pro494Ser (NM_001292027.2, NM_001374498.1); c.1132C>T, p.Pro378Ser (NM_001292028.2); c.1543C>T, p.Pro515Ser (NM_001374497.1); c.1225C>T, p.Pro409Ser (NM_001374499.1); c.1111C>T, p.Pro371Ser (NM_001374500.1); c.1141C>T, p.Pro381Ser (NM_001374501.1, NM_001374502.1, NM_001374503.1); short protein forms P371S, P409S, P515S, P378S, P500S, P543S, P381S, P494S.
Identifiers: ClinVar variation 970634 (VCV000970634.7), dbSNP rs757297524, ClinGen allele CA3382306.

ClinVar aggregate classification (germline): Uncertain significance. Review status: criteria provided, multiple submitters, no conflicts (2 of 4 stars). 3 submissions from 3 submitters: Uncertain significance (2). 1 of the submissions does not count toward it. Last evaluated 2021-11-09.

Conditions:
Bifunctional peroxisomal enzyme deficiency (DBIF). Also called: DBP DEFICIENCY; PBFE DEFICIENCY; D-bifunctional protein deficiency. Identifiers: Orphanet 300, MedGen C0342870, MONDO:0009855, OMIM 261515. Disease mechanism: loss of function.
Perrault syndrome 1 (PRLTS1). Also called: GONADAL DYSGENESIS, XX TYPE, WITH DEAFNESS; OVARIAN DYSGENESIS WITH SENSORINEURAL DEAFNESS. Identifiers: Orphanet 2855, Orphanet 642945, MedGen C4551721, MONDO:0009300, OMIM 233400.
Perrault syndrome. Also called: Gonadal dysgenesis with auditory dysfunction, autosomal recessive inheritance. Identifiers: Orphanet 2855, MedGen C0685838, MONDO:0017312.

Allele frequency attached by ClinVar (database versions not stated): gnomAD exomes below 0.00001 and 0.00001; gnomAD 0.00001; TOPMed 0.00001; ExAC 0.00003.

Submissions (3):

Labcorp Genetics (formerly Invitae), Labcorp
Classification: Uncertain significance for Perrault syndrome; Bifunctional peroxisomal enzyme deficiency. Last evaluated: 2021-11-09. Review status: criteria provided, single submitter. Criteria: Invitae Variant Classification Sherloc (09022015). Collection method: clinical testing. Allele origin: germline.
Comment: This sequence change replaces proline, which is neutral and non-polar, with serine, which is neutral and polar, at codon 518 of the HSD17B4 protein (p.Pro518Ser). This variant is present in population databases (rs757297524, gnomAD 0.003%). This variant has not been reported in the literature in individuals affected with HSD17B4-related conditions. ClinVar contains an entry for this variant (Variation ID: 970634). Algorithms developed to predict the effect of missense changes on protein structure and function are either unavailable or do not agree on the potential impact of this missense change (SIFT: "Deleterious"; PolyPhen-2: "Possibly Damaging"; Align-GVGD: "Class C0"). In summary, the available evidence is currently insufficient to determine the role of this variant in disease. Therefore, it has been classified as a Variant of Uncertain Significance.

Department of Pathology and Laboratory Medicine, Sinai Health System
Classification: Uncertain significance for Perrault syndrome 1; Bifunctional peroxisomal enzyme deficiency. Last evaluated: 2020-04-30. Review status: criteria provided, single submitter. Criteria: ACMG Guidelines, 2015. Collection method: research. Allele origin: germline.

Natera, Inc.
Classification: Uncertain significance for Bifunctional peroxisomal enzyme deficiency. Last evaluated: 2020-09-02. Review status: no assertion criteria provided. Collection method: clinical testing. Allele origin: germline. Not counted in ClinVar's aggregate classification.